The following is an entry in ClinVar:

NM_000426.4(LAMA2):c.7480G>A (p.Gly2494Ser)

Gene: LAMA2 (laminin subunit alpha 2; plus strand). Cytogenetic location: 6q22.33.
Variant type: single nucleotide variant.
Coding change: c.7480G>A on transcript NM_000426.4 (MANE Select); coding-DNA position 7480, G replaced by A.
Protein change: p.Gly2494Ser; replaces glycine 2494 with serine.
Molecular consequence: missense variant.
Genome position (GRCh38, 1-based): chr6:129,478,721, G>A. VCF-style: chr6-129478721-G-A. GRCh37 (hg19) VCF-style: chr6-129799866-G-A.
Other names: c.7468G>A, p.Gly2490Ser (NM_001079823.2); short protein forms G2494S, G2490S.
Identifiers: ClinVar variation 2048206 (VCV002048206.5), dbSNP rs775322557, ClinGen allele CA3994584.

ClinVar aggregate classification (germline): Uncertain significance. Review status: criteria provided, multiple submitters, no conflicts (2 of 4 stars). 3 submissions from 3 submitters: Uncertain significance (3). Last evaluated 2025-08-20.

Conditions:
Inborn genetic diseases. Identifiers: MedGen C0950123, MeSH D030342.
LAMA2-related muscular dystrophy (LAMA2-RD). Also called: Laminin alpha 2-related dystrophy. Identifiers: MedGen C5679788, MONDO:0100228.

Allele frequency attached by ClinVar (database versions not stated): gnomAD exomes 0.00001; TOPMed 0.00001; ExAC 0.00003.
gnomAD v4.1: 10 of 1,613,254 alleles (0.00062%); highest among the groups gnomAD compares: Middle Eastern, 0.017%; no homozygotes.

Submissions (3):

Ambry Genetics
Classification: Uncertain significance for Inborn genetic diseases. Last evaluated: 2025-08-20. Review status: criteria provided, single submitter. Criteria: Ambry Variant Classification Scheme 2023. Collection method: clinical testing. Allele origin: germline.

Revvity Omics, Revvity
Classification: Uncertain significance. Last evaluated: 2021-09-19. Review status: criteria provided, single submitter. Criteria: ACMG Guidelines, 2015. Collection method: clinical testing. Allele origin: germline.

Labcorp Genetics (formerly Invitae), Labcorp
Classification: Uncertain significance for LAMA2-related muscular dystrophy. Last evaluated: 2021-08-26. Review status: criteria provided, single submitter. Criteria: Invitae Variant Classification Sherloc (09022015). Collection method: clinical testing. Allele origin: germline.
Comment: This sequence change replaces glycine with serine at codon 2494 of the LAMA2 protein (p.Gly2494Ser). The glycine residue is highly conserved and there is a small physicochemical difference between glycine and serine. The frequency data for this variant in the population databases is considered unreliable, as metrics indicate poor data quality at this position in the ExAC database. This variant has not been reported in the literature in individuals affected with LAMA2-related conditions. Advanced modeling of protein sequence and biophysical properties (such as structural, functional, and spatial information, amino acid conservation, physicochemical variation, residue mobility, and thermodynamic stability) performed at Invitae indicates that this missense variant is expected to disrupt LAMA2 protein function. In summary, the available evidence is currently insufficient to determine the role of this variant in disease. Therefore, it has been classified as a Variant of Uncertain Significance.